The following is an entry in ClinVar:

ClinVar aggregate classification (germline): Uncertain significance (1 of 4 stars; one submission).

Submission:

Labcorp Genetics (formerly Invitae), Labcorp
Classification: Uncertain significance. Last evaluated: 2024-03-31. Review status: criteria provided, single submitter. Criteria: Invitae Variant Classification Sherloc (09022015). Collection method: clinical testing. Allele origin: germline.
Comment: This sequence change replaces proline, which is neutral and non-polar, with serine, which is neutral and polar, at codon 322 of the THPO protein (p.Pro322Ser). This variant is not present in population databases (gnomAD no frequency). This variant has not been reported in the literature in individuals affected with THPO-related conditions. An algorithm developed to predict the effect of missense changes on protein structure and function (PolyPhen-2) suggests that this variant is likely to be tolerated. In summary, the available evidence is currently insufficient to determine the role of this variant in disease. Therefore, it has been classified as a Variant of Uncertain Significance.

NM_000460.4(THPO):c.964C>T (p.Pro322Ser)

Gene: THPO (thrombopoietin; minus strand). Cytogenetic location: 3q27.1.
Variant type: single nucleotide variant.
Coding change: c.964C>T on transcript NM_000460.4 (MANE Select); coding-DNA position 964, C replaced by T.
Protein change: p.Pro322Ser; replaces proline 322 with serine.
Molecular consequence: missense variant.
Genome position (GRCh38, 1-based): chr3:184,372,611, G>A on the plus strand (C>T on the coding strand, the complement: THPO is on the minus strand). VCF-style: chr3-184372611-G-A. GRCh37 (hg19) VCF-style: chr3-184090399-G-A.
Other names: c.952C>T, p.Pro318Ser (NM_001177597.2, NM_001290022.1); c.947C>T, p.Pro316Leu (NM_001177598.2, NM_001290026.1); c.848C>T, p.Pro283Leu (NM_001289997.1, NM_001290027.1); c.964C>T, p.Pro322Ser (NM_001289998.1, NM_001290028.1); c.1384C>T, p.Pro462Ser (NM_001290003.1); short protein forms P462S, P322S, P283L, P316L, P318S.
Identifiers: ClinVar variation 3680884 (VCV003680884.2).
Genomic context (GRCh38, chr3:184,372,611, plus strand): 5'-ATGTGTTTAGAAGAGGGCTGGTAGGGGTGGGCGTTGGAGCAGAAGGGTCAGGAAGCAGGG[G>A]GTGGAGCTGGACCACAGGGGTGGGCAAGGTGGGTGGAAGAGGGAAGAGCGTATACTGTCC-3'
Protein context (NP_000451.1, residues 312-332): TLPTPVVQLH[Pro322Ser]LLPDPSAPTP